The following is an entry in ClinVar:

ClinVar aggregate classification (germline): Pathogenic (1 of 4 stars; one submission).

Conditions:
Renal tubular acidosis, distal, 3, with or without sensorineural hearing loss (DRTA3). Identifiers: MedGen C5399980, MONDO:0011268, OMIM 602722.

Submission:

MVZ Medizinische Genetik Mainz
Classification: Pathogenic for Renal tubular acidosis, distal, 3, with or without sensorineural hearing loss. Last evaluated: 2025-07-21. Review status: criteria provided, single submitter. Criteria: UK Practice Guidelines For Variant Classification V4 01 2020. Collection method: clinical testing. Allele origin: germline. Inheritance: Autosomal recessive inheritance. Affected: yes. Observed: 1 variant allele.
Comment: ACMG Criteria: PVS1,PM2_SUP,PP4

NM_020632.3(ATP6V0A4):c.873dup (p.Trp292fs)

Gene: ATP6V0A4 (ATPase H+ transporting V0 subunit a4; minus strand). Cytogenetic location: 7q34.
Variant type: Duplication.
Coding change: c.873dup on transcript NM_020632.3 (MANE Select); coding-DNA position 873, one base duplicated (C; older notation c.873dupC).
Protein change: p.Trp292fs; shifts the reading frame from tryptophan 292.
Molecular consequence: frameshift variant.
Genome position (GRCh38, 1-based): chr7:138,752,781, G duplicated on the plus strand (C on the coding strand, the reverse complement: ATP6V0A4 is on the minus strand). VCF-style (leftmost placement, unchanged base first): chr7-138752780-A-AG. GRCh37 (hg19) VCF-style: chr7-138437525-A-AG.
Other names: c.873dup, p.Trp292fs (NM_130840.3, NM_130841.3); short protein forms W292fs.
Identifiers: ClinVar variation 5038148 (VCV005038148.1).